The following is an entry in ClinVar:

NM_001035.3(RYR2):c.4972C>G (p.Leu1658Val)

Gene: RYR2 (ryanodine receptor 2; plus strand). Cytogenetic location: 1q43.
Variant type: single nucleotide variant.
Coding change: c.4972C>G on transcript NM_001035.3 (MANE Select); coding-DNA position 4972, C replaced by G.
Protein change: p.Leu1658Val; replaces leucine 1658 with valine.
Molecular consequence: missense variant.
Genome position (GRCh38, 1-based): chr1:237,614,100, C>G. VCF-style: chr1-237614100-C-G. GRCh37 (hg19) VCF-style: chr1-237777400-C-G.
Other names: short protein forms L1658V.
Identifiers: ClinVar variation 3073442 (VCV003073442.2), dbSNP rs767540663, ClinGen allele CA086812.
Genomic context (GRCh38, chr1:237,614,100, plus strand): 5'-TCTGTTGACATCTTAGAGTTGACAGAGCAGGAGGAATTGCTGAAATTTCACTATCACACT[C>G]TCCGGCTCTACTCAGCCGTCTGTGCTCTTGGGAACCACCGGGTGGCCCATGCCCTGTGCA-3'
Protein context (NP_001026.2, residues 1648-1668): EELLKFHYHT[Leu1658Val]RLYSAVCALG

ClinVar aggregate classification (germline): Uncertain significance. Review status: criteria provided, multiple submitters, no conflicts (2 of 4 stars). 2 submissions from 2 submitters: Uncertain significance (2). Last evaluated 2023-09-17.

Conditions:
Cardiomyopathy (CMYO). Also called: Cardiomyopathies. Identifiers: Orphanet 167848, MedGen C0878544, MONDO:0004994, HP:0001638. Inheritance: Various modes of inheritance.
Catecholaminergic polymorphic ventricular tachycardia (CVPT). Also called: Catecholamine-induced polymorphic ventricular tachycardia. Identifiers: Orphanet 3286, MedGen C5574922, MONDO:0017990.

Allele frequency attached by ClinVar (database versions not stated): TOPMed below 0.00001.
gnomAD v4.1: 2 of 1,614,050 alleles (0.00012%); highest among the groups gnomAD compares: Non-Finnish European, 0.000085%; no homozygotes.

Submissions (2):

All of Us Research Program, National Institutes of Health
Classification: Uncertain significance for Catecholaminergic polymorphic ventricular tachycardia. Last evaluated: 2023-09-17. Review status: criteria provided, single submitter. Criteria: ACMG Guidelines, 2015. Collection method: clinical testing. Allele origin: germline. Inheritance: Autosomal dominant inheritance. Observed: 1 variant allele, 1 heterozygote.
Comment: This missense variant replaces leucine with valine at codon 1658 of the RYR2 protein. Computational prediction suggests that this variant may have deleterious impact on protein structure and function (internally defined REVEL score threshold >= 0.7, PMID: 27666373). To our knowledge, functional studies have not been reported for this variant. This variant has not been reported in individuals affected with RYR2-related disorders in the literature. This variant has been identified in 1/248778 chromosomes in the general population by the Genome Aggregation Database (gnomAD). The available evidence is insufficient to determine the role of this variant in disease conclusively. Therefore, this variant is classified as a Variant of Uncertain Significance.

This study involves interpretation of variants in research participants for the purpose of population health screening. Participant phenotype was not available at the time of variant classification. Additional details can be found in publication PMID: 35346344, PMCID: PMC8962531

Color Diagnostics, LLC DBA Color Health
Classification: Uncertain significance for Cardiomyopathy. Last evaluated: 2023-08-31. Review status: criteria provided, single submitter. Criteria: ACMG Guidelines, 2015. Collection method: clinical testing. Allele origin: germline.
Comment: This missense variant replaces leucine with valine at codon 1658 of the RYR2 protein. Computational prediction suggests that this variant may have deleterious impact on protein structure and function. To our knowledge, functional studies have not been reported for this variant. This variant has not been reported in individuals affected with RYR2-related disorders in the literature. This variant has been identified in 1/248778 chromosomes in the general population by the Genome Aggregation Database (gnomAD). The available evidence is insufficient to determine the role of this variant in disease conclusively. Therefore, this variant is classified as a Variant of Uncertain Significance.